The following is an entry in ClinVar:

ClinVar aggregate classification (germline): Uncertain significance. Review status: criteria provided, multiple submitters, no conflicts (2 of 4 stars). 2 submissions from 2 submitters: Uncertain significance (2). Last evaluated 2026-03-31.

Conditions:
Cardiovascular phenotype. Identifiers: MedGen CN230736.
Hereditary cancer-predisposing syndrome. Also called: Hereditary Cancer Syndrome; Neoplastic Syndromes, Hereditary; Tumor predisposition; Hereditary neoplastic syndrome. Identifiers: Orphanet 140162, MedGen C0027672, MeSH D009386, MONDO:0015356.
Neurofibromatosis, type 1 (NF1). Also called: Peripheral type neurofibromatosis; VON RECKLINGHAUSEN DISEASE; Neurofibromatosis, type I; NEUROFIBROMATOSIS, TYPE I, SOMATIC. Identifiers: Orphanet 636, MedGen C0027831, MONDO:0018975, OMIM 162200. Disease mechanism: loss of function.

Submissions (2):

Ambry Genetics
Classification: Uncertain significance for Cardiovascular phenotype; Hereditary cancer-predisposing syndrome. Last evaluated: 2026-03-31. Review status: criteria provided, single submitter. Criteria: Ambry Variant Classification Scheme 2023. Collection method: clinical testing. Allele origin: germline.
Comment: The p.M2501I variant (also known as c.7503G>A), located in coding exon 50 of the NF1 gene, results from a G to A substitution at nucleotide position 7503. The methionine at codon 2501 is replaced by isoleucine, an amino acid with highly similar properties. This amino acid position is highly conserved in available vertebrate species. In addition, the in silico prediction for this alteration is inconclusive. Based on the available evidence, the clinical significance of this variant remains unclear.

Labcorp Genetics (formerly Invitae), Labcorp
Classification: Uncertain significance for Neurofibromatosis, type 1. Last evaluated: 2019-08-14. Review status: criteria provided, single submitter. Criteria: Invitae Variant Classification Sherloc (09022015). Collection method: clinical testing. Allele origin: germline.
Comment: In summary, the available evidence is currently insufficient to determine the role of this variant in disease. Therefore, it has been classified as a Variant of Uncertain Significance. Algorithms developed to predict the effect of missense changes on protein structure and function are either unavailable or do not agree on the potential impact of this missense change (SIFT: "Tolerated"; PolyPhen-2: "Possibly Damaging"; Align-GVGD: "Class C0"). This variant has been observed in an individual affected with breast cancer (PMID: 30287823). This variant is not present in population databases (ExAC no frequency). This sequence change replaces methionine with isoleucine at codon 2501 of the NF1 protein (p.Met2501Ile). The methionine residue is moderately conserved and there is a small physicochemical difference between methionine and isoleucine.

Literature cited by the submitters: PubMed 30287823 (cited by Labcorp Genetics (formerly Invitae), Labcorp).

NM_001042492.3(NF1):c.7566G>A (p.Met2522Ile)

Gene: NF1 (neurofibromin 1; plus strand). Cytogenetic location: 17q11.2.
Variant type: single nucleotide variant.
Coding change: c.7566G>A on transcript NM_001042492.3 (MANE Select); coding-DNA position 7566, G replaced by A.
Protein change: p.Met2522Ile; replaces methionine 2522 with isoleucine.
Molecular consequence: missense variant.
Genome position (GRCh38, 1-based): chr17:31,352,365, G>A. VCF-style: chr17-31352365-G-A. GRCh37 (hg19) VCF-style: chr17-29679383-G-A.
Other names: c.7503G>A, p.Met2501Ile (NM_000267.4); short protein forms M2501I, M2522I.
Identifiers: ClinVar variation 937477 (VCV000937477.7), dbSNP rs2070171212, ClinGen allele CA399017715.